The following is an entry in ClinVar:

ClinVar aggregate classification (germline): Uncertain significance. Review status: criteria provided, multiple submitters, no conflicts (2 of 4 stars). 2 submissions from 2 submitters: Uncertain significance (2). Last evaluated 2024-09-04.

Conditions:
Cardiovascular phenotype. Identifiers: MedGen CN230736.
Atrial fibrillation, familial, 14 (ATFB14). Identifiers: MedGen C3809312, MONDO:0014156, OMIM 615378.

gnomAD v4.1: 64 of 1,614,038 alleles (0.004%); highest among the groups gnomAD compares: Non-Finnish European, 0.0053%; no homozygotes.

Submissions (2):

Ambry Genetics
Classification: Uncertain significance for Cardiovascular phenotype. Last evaluated: 2024-09-04. Review status: criteria provided, single submitter. Criteria: Ambry Variant Classification Scheme 2023. Collection method: clinical testing. Allele origin: germline.
Comment: The p.R185T variant (also known as c.554G>C), located in coding exon 4 of the SCN2B gene, results from a G to C substitution at nucleotide position 554. The arginine at codon 185 is replaced by threonine, an amino acid with similar properties. This amino acid position is conserved. In addition, this alteration is predicted to be deleterious by in silico analysis. Since supporting evidence is limited at this time, the clinical significance of this alteration remains unclear.

Revvity Omics, Revvity
Classification: Uncertain significance for Atrial fibrillation, familial, 14. Last evaluated: 2022-06-05. Review status: criteria provided, single submitter. Criteria: ACMG Guidelines, 2015. Collection method: clinical testing. Allele origin: germline.

NM_004588.5(SCN2B):c.554G>C (p.Arg185Thr)

Gene: SCN2B (sodium voltage-gated channel beta subunit 2; minus strand). Cytogenetic location: 11q23.3.
Variant type: single nucleotide variant.
Coding change: c.554G>C on transcript NM_004588.5 (MANE Select); coding-DNA position 554, G replaced by C.
Protein change: p.Arg185Thr; replaces arginine 185 with threonine.
Molecular consequence: missense variant.
Genome position (GRCh38, 1-based): chr11:118,166,981, C>G on the plus strand (G>C on the coding strand, the complement: SCN2B is on the minus strand). VCF-style: chr11-118166981-C-G. GRCh37 (hg19) VCF-style: chr11-118037696-C-G.
Other names: short protein forms R185T.
Identifiers: ClinVar variation 1748237 (VCV001748237.6), dbSNP rs759084475, ClinGen allele CA6300408.